The following is an entry in ClinVar:

ClinVar aggregate classification (germline): Uncertain significance (1 of 4 stars; one submission).

Allele frequency attached by ClinVar (database versions not stated): gnomAD exomes below 0.00001; gnomAD 0.00001; ESP Exome Variant Server 0.00008; TOPMed 0.00004.
gnomAD v4.1: 2 of 1,613,582 alleles (0.00012%); highest among the groups gnomAD compares: African/African-American, 0.0013%; no homozygotes.

Submission:

Labcorp Genetics (formerly Invitae), Labcorp
Classification: Uncertain significance. Last evaluated: 2021-12-06. Review status: criteria provided, single submitter. Criteria: Invitae Variant Classification Sherloc (09022015). Collection method: clinical testing. Allele origin: germline.
Comment: This sequence change replaces lysine, which is basic and polar, with arginine, which is basic and polar, at codon 80 of the AHR protein (p.Lys80Arg). This variant is present in population databases (rs377294595, gnomAD 0.01%). This variant has not been reported in the literature in individuals affected with AHR-related conditions. Algorithms developed to predict the effect of missense changes on protein structure and function (SIFT, PolyPhen-2, Align-GVGD) all suggest that this variant is likely to be disruptive. In summary, the available evidence is currently insufficient to determine the role of this variant in disease. Therefore, it has been classified as a Variant of Uncertain Significance.

NM_001621.5(AHR):c.239A>G (p.Lys80Arg)

Gene: AHR (aryl hydrocarbon receptor; plus strand). Cytogenetic location: 7p21.1.
Variant type: single nucleotide variant.
Coding change: c.239A>G on transcript NM_001621.5 (MANE Select); coding-DNA position 239, A replaced by G.
Protein change: p.Lys80Arg; replaces lysine 80 with arginine.
Molecular consequence: missense variant.
Genome position (GRCh38, 1-based): chr7:17,310,109, A>G. VCF-style: chr7-17310109-A-G. GRCh37 (hg19) VCF-style: chr7-17349733-A-G.
Other names: short protein forms K80R.
Identifiers: ClinVar variation 1944380 (VCV001944380.5), dbSNP rs377294595, ClinGen allele CA154095219.